The following is an entry in ClinVar:

NM_000574.5(CD55):c.596C>T (p.Ser199Leu)

Gene: CD55 (CD55 molecule (Cromer blood group); plus strand). Cytogenetic location: 1q32.2.
Variant type: single nucleotide variant.
Coding change: c.596C>T on transcript NM_000574.5 (MANE Select); coding-DNA position 596, C replaced by T.
Protein change: p.Ser199Leu; replaces serine 199 with leucine.
Molecular consequence: missense variant. On other transcripts: non-coding transcript variant (1).
Genome position (GRCh38, 1-based): chr1:207,326,769, C>T. VCF-style: chr1-207326769-C-T. GRCh37 (hg19) VCF-style: chr1-207500114-C-T.
Other names: S16L; DAF 596T; DAF Dr(a-); S165L; c.596C>T, p.Ser199Leu (NM_001114752.3, NM_001300902.2, NM_001300903.2 and 1 more transcripts); short protein forms S199L.
Identifiers: ClinVar variation 431759 (VCV000431759.3), dbSNP rs1135402914, ClinGen allele CA344516965.
Genomic context (GRCh38, chr1:207,326,769, plus strand): 5'-GTGTGAATGTAACAAACTCTTTTTTCTTCCCCTGTTGCTTTAGGTACAAATTATTTGGCT[C>T]GACTTCTAGTTTTTGTCTTATTTCAGGCAGCTCTGTCCAGTGGAGTGACCCGTTGCCAGA-3'
Protein context (NP_000565.1, residues 189-209): SCNTGYKLFG[Ser199Leu]TSSFCLISGS

ClinVar aggregate classification (germline): Pathogenic. Review status: criteria provided, single submitter (1 of 4 stars). 2 submissions from 2 submitters: Pathogenic (1). 1 of the submissions does not count toward it. Last evaluated 2024-07-05.

Conditions:
Complement hyperactivation-angiopathic thrombosis-protein-losing enteropathy syndrome. Also called: COMPLEMENT HYPERACTIVATION, ANGIOPATHIC THROMBOSIS, AND PROTEIN-LOSING ENTEROPATHY. Identifiers: Orphanet 566175, MedGen C4538570, MONDO:0009174, OMIM 226300.
CROMER BLOOD GROUP SYSTEM, Dr(a-) PHENOTYPE.

Allele frequency attached by ClinVar (database versions not stated): gnomAD exomes below 0.00001 and 0.00001; gnomAD 0.00001; TOPMed 0.00001.
gnomAD v4.1: 8 of 1,613,270 alleles (0.0005%); highest among the groups gnomAD compares: Middle Eastern, 0.016%; no homozygotes.

Submissions (2):

Aleixo Muise Laboratory, Hospital For Sick Children
Classification: Pathogenic for Complement hyperactivation-angiopathic thrombosis-protein-losing enteropathy syndrome. Last evaluated: 2024-07-05. Review status: criteria provided, single submitter. Criteria: ACMG Guidelines, 2015. Collection method: research. Allele origin: germline. Affected: yes. Observed: 1 variant allele.
Comment: PS1;PM2;PM3;PP3;PP4

OMIM
Classification: Pathogenic for CROMER BLOOD GROUP SYSTEM, Dr(a-) PHENOTYPE. Last evaluated: 2017-09-01. Review status: no assertion criteria provided. Collection method: literature only. Allele origin: germline. Not counted in ClinVar's aggregate classification.

Literature cited by the submitters: PubMed 6695433 (cited by OMIM); PubMed 15954803 (cited by OMIM); PubMed 1720702 (cited by OMIM); PubMed 1710232 (cited by OMIM); PubMed 9675792 (cited by OMIM).